The following is an entry in ClinVar:

ClinVar aggregate classification (germline): Likely pathogenic (1 of 4 stars; one submission).

Submission:

ARUP Laboratories, Molecular Genetics and Genomics, ARUP Laboratories
Classification: Likely pathogenic. Last evaluated: 2019-06-18. Review status: criteria provided, single submitter. Criteria: ARUP Molecular Germline Variant Investigation Process. Collection method: clinical testing. Allele origin: germline.
Comment: The INSR c.2774T>C; p.Ile925Thr variant, also known as p.Ile898Thr in the mature protein, is reported in the literature in an individual affected with leprechaunism, also known as Donahue syndrome (Longo 2002). This variant is absent from general population databases (Exome Variant Server, Genome Aggregation Database), indicating it is not a common polymorphism. The isoleucine at codon 925 is moderately conserved, but computational analyses (SIFT, PolyPhen-2) predict that this variant is deleterious. In agreement with these predictions, functional analyses indicate that p.Ile925Thr variant protein is poorly processed to its mature form (Hosoe 2017), and cultured cells expressing this variant exhibit significantly decreased insulin binding compared to cells expressing normal protein (Longo 2002). Based on available information, this variant is considered to be likely pathogenic. References: Hosoe J et al. Structural Basis and Genotype-Phenotype Correlations of INSR Mutations Causing Severe Insulin Resistance. Diabetes. 2017 Oct;66(10):2713-2723. Longo N et al. Genotype-phenotype correlation in inherited severe insulin resistance. Hum Mol Genet. 2002 Jun 1;11(12):1465-75.

NM_000208.4(INSR):c.2774T>C (p.Ile925Thr)

Gene: INSR (insulin receptor; minus strand). Cytogenetic location: 19p13.2.
Variant type: single nucleotide variant.
Coding change: c.2774T>C on transcript NM_000208.4 (MANE Select); coding-DNA position 2774, T replaced by C.
Protein change: p.Ile925Thr; replaces isoleucine 925 with threonine.
Molecular consequence: missense variant.
Genome position (GRCh38, 1-based): chr19:7,132,226, A>G on the plus strand (T>C on the coding strand, the complement: INSR is on the minus strand). VCF-style: chr19-7132226-A-G. GRCh37 (hg19) VCF-style: chr19-7132237-A-G.
Other names: c.2738T>C, p.Ile913Thr (NM_001079817.3); short protein forms I913T, I925T.
Identifiers: ClinVar variation 811481 (VCV000811481.8), dbSNP rs1599881881, ClinGen allele CA403672042.
Genomic context (GRCh38, chr19:7,132,226, plus strand): 5'-GTCACGTAGAAATAGGTGGGTTCCGTCCAAGAGCCGTTGCCCGCAAGGGAGGTGGCCCGG[A>G]TTCGCACGCTGTAGTTCCCCGGTGACAGCCCACGCAGCCTGCAGCCCCGTTCCAGAGCGA-3'
Protein context (NP_000199.2, residues 915-935): GLSPGNYSVR[Ile925Thr]RATSLAGNGS